The following is an entry in ClinVar:

ClinVar aggregate classification (germline): Uncertain significance. Review status: criteria provided, multiple submitters, no conflicts (2 of 4 stars). 2 submissions from 2 submitters: Uncertain significance (2). Last evaluated 2024-10-04.

Conditions:
Hereditary cancer-predisposing syndrome. Also called: Hereditary Cancer Syndrome; Hereditary neoplastic syndrome; Neoplastic Syndromes, Hereditary; Tumor predisposition. Identifiers: Orphanet 140162, MedGen C0027672, MeSH D009386, MONDO:0015356.

Allele frequency attached by ClinVar (database versions not stated): gnomAD exomes below 0.00001.
gnomAD v4.1: 1 of 1,613,960 alleles (0.000062%); highest among the groups gnomAD compares: Non-Finnish European, 0.000085%; no homozygotes.

Submissions (2):

Ambry Genetics
Classification: Uncertain significance for Hereditary cancer-predisposing syndrome. Last evaluated: 2024-10-04. Review status: criteria provided, single submitter. Criteria: Ambry Variant Classification Scheme 2023. Collection method: clinical testing. Allele origin: germline.
Comment: The p.D22V variant (also known as c.65A>T), located in coding exon 2 of the POLE gene, results from an A to T substitution at nucleotide position 65. The aspartic acid at codon 22 is replaced by valine, an amino acid with highly dissimilar properties. This amino acid position is conserved. In addition, the in silico prediction for this alteration is inconclusive. Based on the available evidence, the clinical significance of this variant remains unclear.

Labcorp Genetics (formerly Invitae), Labcorp
Classification: Uncertain significance. Last evaluated: 2019-03-07. Review status: criteria provided, single submitter. Criteria: Invitae Variant Classification Sherloc (09022015). Collection method: clinical testing. Allele origin: germline.
Comment: In summary, this variant is a novel missense change that is not predicted to affect protein function. There is no indication that it causes disease, but the available evidence is currently insufficient to prove that conclusively. Therefore, it has been classified as a Variant of Uncertain Significance. Algorithms developed to predict the effect of missense changes on protein structure and function (SIFT, PolyPhen-2, Align-GVGD) all suggest that this variant is likely to be tolerated, but these predictions have not been confirmed by published functional studies. This variant is not present in population databases (ExAC no frequency) and has not been reported in the literature in individuals with a POLE-related disease. This sequence change replaces aspartic acid with valine at codon 22 of the POLE protein (p.Asp22Val). The aspartic acid residue is weakly conserved and there is a large physicochemical difference between aspartic acid and valine.

NM_006231.4(POLE):c.65A>T (p.Asp22Val)

Gene: POLE (DNA polymerase epsilon, catalytic subunit; minus strand). Cytogenetic location: 12q24.33.
Variant type: single nucleotide variant.
Coding change: c.65A>T on transcript NM_006231.4 (MANE Select); coding-DNA position 65, A replaced by T.
Protein change: p.Asp22Val; replaces aspartic acid 22 with valine.
Molecular consequence: missense variant.
Genome position (GRCh38, 1-based): chr12:132,681,277, T>A on the plus strand (A>T on the coding strand, the complement: POLE is on the minus strand). VCF-style: chr12-132681277-T-A. GRCh37 (hg19) VCF-style: chr12-133257863-T-A.
Other names: c.65A>T (NM_006231.2); short protein forms D22V.
Identifiers: ClinVar variation 405824 (VCV000405824.11), dbSNP rs1060500864, ClinGen allele CA16614069.